The following is an entry in ClinVar:

ClinVar aggregate classification (germline): Uncertain significance (1 of 4 stars; one submission).

Submission:

GeneDx
Classification: Uncertain significance. Last evaluated: 2022-05-19. Review status: criteria provided, single submitter. Criteria: GeneDx Variant Classification Process June 2021. Collection method: clinical testing. Allele origin: germline. Affected: yes.
Comment: Not observed at significant frequency in large population cohorts (gnomAD); In silico analysis supports that this missense variant has a deleterious effect on protein structure/function; Has not been previously published as pathogenic or benign to our knowledge

NM_015557.3(CHD5):c.1296C>G (p.Asp432Glu)

Gene: CHD5 (chromodomain helicase DNA binding protein 5; minus strand). Cytogenetic location: 1p36.31.
Variant type: single nucleotide variant.
Coding change: c.1296C>G on transcript NM_015557.3 (MANE Select); coding-DNA position 1296, C replaced by G.
Protein change: p.Asp432Glu; replaces aspartic acid 432 with glutamic acid.
Molecular consequence: missense variant.
Genome position (GRCh38, 1-based): chr1:6,148,941, G>C on the plus strand (C>G on the coding strand, the complement: CHD5 is on the minus strand). VCF-style: chr1-6148941-G-C. GRCh37 (hg19) VCF-style: chr1-6209001-G-C.
Other names: short protein forms D432E.
Identifiers: ClinVar variation 1800563 (VCV001800563.1), dbSNP rs2525426538, ClinGen allele CA338085081.